The following is an entry in ClinVar:

NM_001330700.2(TOP2B):c.4774A>G (p.Thr1592Ala)

Gene: TOP2B (DNA topoisomerase II beta; minus strand). Cytogenetic location: 3p24.2.
Variant type: single nucleotide variant.
Coding change: c.4774A>G on transcript NM_001330700.2 (MANE Select); coding-DNA position 4774, A replaced by G.
Protein change: p.Thr1592Ala; replaces threonine 1592 with alanine.
Molecular consequence: missense variant.
Genome position (GRCh38, 1-based): chr3:25,598,414, T>C on the plus strand (A>G on the coding strand, the complement: TOP2B is on the minus strand). VCF-style: chr3-25598414-T-C. GRCh37 (hg19) VCF-style: chr3-25639905-T-C.
Other names: c.4759A>G, p.Thr1587Ala (NM_001068.3); short protein forms T1587A, T1592A.
Identifiers: ClinVar variation 2828749 (VCV002828749.3), dbSNP rs1701985395, ClinGen allele CA351890066.

ClinVar aggregate classification (germline): Uncertain significance (1 of 4 stars; one submission).

Submission:

Labcorp Genetics (formerly Invitae), Labcorp
Classification: Uncertain significance. Last evaluated: 2023-04-08. Review status: criteria provided, single submitter. Criteria: Invitae Variant Classification Sherloc (09022015). Collection method: clinical testing. Allele origin: germline.
Comment: In summary, the available evidence is currently insufficient to determine the role of this variant in disease. Therefore, it has been classified as a Variant of Uncertain Significance. Algorithms developed to predict the effect of missense changes on protein structure and function output the following: SIFT: "Not Available"; PolyPhen-2: "Benign"; Align-GVGD: "Not Available". The alanine amino acid residue is found in multiple mammalian species, which suggests that this missense change does not adversely affect protein function. This variant has not been reported in the literature in individuals affected with TOP2B-related conditions. This variant is not present in population databases (gnomAD no frequency). This sequence change replaces threonine, which is neutral and polar, with alanine, which is neutral and non-polar, at codon 1587 of the TOP2B protein (p.Thr1587Ala).